The following is an entry in ClinVar:

NM_207352.4(CYP4V2):c.1526C>T (p.Pro509Leu)

Gene: CYP4V2 (cytochrome P450 family 4 subfamily V member 2; plus strand). Cytogenetic location: 4q35.2.
Variant type: single nucleotide variant.
Coding change: c.1526C>T on transcript NM_207352.4 (MANE Select); coding-DNA position 1526, C replaced by T.
Protein change: p.Pro509Leu; replaces proline 509 with leucine.
Molecular consequence: missense variant.
Genome position (GRCh38, 1-based): chr4:186,210,589, C>T. VCF-style: chr4-186210589-C-T. GRCh37 (hg19) VCF-style: chr4-187131743-C-T.
Other names: c.1830C>T; short protein forms P509L.
Identifiers: ClinVar variation 39258 (VCV000039258.4), dbSNP rs199476205, ClinGen allele CA343721.
Genomic context (GRCh38, chr4:186,210,589, plus strand): 5'-GGATAGAATCCAACCAGAAAAGAGAAGAGCTTGGTCTAGAAGGACAGTTGATTCTTCGTC[C>T]AAGTAATGGCATCTGGATCAAGTTGAAGAGGAGAAATGCAGATGAACGCTAACTATATTA-3'
Protein context (NP_997235.3, residues 499-519): LGLEGQLILR[Pro509Leu]SNGIWIKLKR

ClinVar aggregate classification (germline): Uncertain significance. Review status: criteria provided, single submitter (1 of 4 stars). 2 submissions from 2 submitters: Uncertain significance (1). 1 of the submissions does not count toward it. Last evaluated 2025-04-29.

Conditions:
Bietti crystalline corneoretinal dystrophy (BCD). Also called: Bietti Crystalline Dystrophy; BIETTI TAPETORETINAL DEGENERATION WITH MARGINAL CORNEAL DYSTROPHY. Identifiers: Orphanet 41751, MedGen C1859486, MONDO:0008865, OMIM 210370.

Submissions (2):

3billion
Classification: Uncertain significance for Bietti crystalline corneoretinal dystrophy. Last evaluated: 2025-04-29. Review status: criteria provided, single submitter. Criteria: ACMG Guidelines, 2015. Collection method: clinical testing. Allele origin: germline. Affected: yes.

GeneReviews
Classification: Pathogenic for Bietti Crystalline Dystrophy. Last evaluated: 2012-04-12. Review status: no assertion criteria provided. Collection method: curation. Allele origin: unknown. Not counted in ClinVar's aggregate classification.
ClinVar note: Converted during submission from pathologic to Pathogenic.

Literature cited by the submitters: PubMed 17013694 (cited by 3billion).